The following is an entry in ClinVar:

NM_001261826.3(AP3D1):c.2788-1G>C

Gene: AP3D1 (adaptor related protein complex 3 subunit delta 1; minus strand). Cytogenetic location: 19p13.3.
Variant type: single nucleotide variant.
Coding change: c.2788-1G>C on transcript NM_001261826.3 (MANE Select); the canonical splice acceptor site of the intron before coding-DNA position 2788, G replaced by C.
Molecular consequence: splice acceptor variant.
Genome position (GRCh38, 1-based): chr19:2,111,829, C>G on the plus strand (G>C on the coding strand, the complement: AP3D1 is on the minus strand). VCF-style: chr19-2111829-C-G. GRCh37 (hg19) VCF-style: chr19-2111828-C-G.
Other names: c.2602-1G>C (NM_003938.8); c.2752-1G>C (NM_001374799.1).
Identifiers: ClinVar variation 2051092 (VCV002051092.4), dbSNP rs769262667, ClinGen allele CA9058714.

ClinVar aggregate classification (germline): Uncertain significance (1 of 4 stars; one submission).

Allele frequency attached by ClinVar (database versions not stated): ExAC 0.00001.
gnomAD v4.1: 3 of 1,613,636 alleles (0.00019%); highest among the groups gnomAD compares: African/African-American, 0.0027%; no homozygotes.

Submission:

Labcorp Genetics (formerly Invitae), Labcorp
Classification: Uncertain significance. Last evaluated: 2022-08-23. Review status: criteria provided, single submitter. Criteria: Invitae Variant Classification Sherloc (09022015). Collection method: clinical testing. Allele origin: germline.
Comment: This sequence change affects an acceptor splice site in intron 24 of the AP3D1 gene. It is expected to disrupt RNA splicing. Variants that disrupt the donor or acceptor splice site typically lead to a loss of protein function (PMID: 16199547), however the current clinical and genetic evidence is not sufficient to establish whether loss-of-function variants in AP3D1 cause disease. This variant is present in population databases (rs769262667, gnomAD 0.01%). This variant has not been reported in the literature in individuals affected with AP3D1-related conditions. Algorithms developed to predict the effect of sequence changes on RNA splicing suggest that this variant may disrupt the consensus splice site. In summary, the available evidence is currently insufficient to determine the role of this variant in disease. Therefore, it has been classified as a Variant of Uncertain Significance.

Literature cited by the submitters: PubMed 16199547.